The following is an entry in ClinVar:

NM_000530.8(MPZ):c.389A>G (p.Lys130Arg)

Gene: MPZ (myelin protein zero; minus strand). Cytogenetic location: 1q23.3.
Variant type: single nucleotide variant.
Coding change: c.389A>G on transcript NM_000530.8 (MANE Select); coding-DNA position 389, A replaced by G.
Protein change: p.Lys130Arg; replaces lysine 130 with arginine.
Molecular consequence: missense variant.
Genome position (GRCh38, 1-based): chr1:161,306,767, T>C on the plus strand (A>G on the coding strand, the complement: MPZ is on the minus strand). VCF-style: chr1-161306767-T-C. GRCh37 (hg19) VCF-style: chr1-161276557-T-C.
Other names: c.389A>G, p.Lys130Arg (LRG_256t1, NM_001315491.2); short protein forms K130R.
Identifiers: ClinVar variation 41021 (VCV000041021.17), dbSNP rs281865127, ClinGen allele CA243183.

ClinVar aggregate classification (germline): Conflicting classifications of pathogenicity. Review status: criteria provided, conflicting classifications (1 of 4 stars). 5 submissions from 5 submitters: Pathogenic (3); Uncertain significance (1). 1 of the submissions does not count toward it. Last evaluated 2025-09-17.

Conditions:
Charcot-Marie-Tooth disease, type I (CMT1). Also called: Charcot-Marie-Tooth, Type 1; Charcot-Marie-Tooth disease type 1. Identifiers: Orphanet 65753, MedGen C0751036, MONDO:0019011.
Charcot-Marie-Tooth disease type 1B. Also called: HEREDITARY MOTOR AND SENSORY NEUROPATHY I; HEREDITARY MOTOR AND SENSORY NEUROPATHY IB; CHARCOT-MARIE-TOOTH DISEASE, AUTOSOMAL DOMINANT, WITH FOCALLY FOLDED MYELIN SHEATHS, TYPE 1B; CHARCOT-MARIE-TOOTH DISEASE, SLOW NERVE CONDUCTION TYPE, LINKED TO DUFFY; CHARCOT-MARIE-TOOTH NEUROPATHY, TYPE 1B; Charcot-Marie-Tooth disease, demyelinating, type 1b. Identifiers: Orphanet 101082, MedGen C0270912, MONDO:0007307, OMIM 118200.

Submissions (5):

Labcorp Genetics (formerly Invitae), Labcorp
Classification: Pathogenic for Charcot-Marie-Tooth disease, type I. Last evaluated: 2025-09-17. Review status: criteria provided, single submitter. Criteria: Invitae Variant Classification Sherloc (09022015). Collection method: clinical testing. Allele origin: germline.
Comment: This sequence change replaces lysine, which is basic and polar, with arginine, which is basic and polar, at codon 130 of the MPZ protein (p.Lys130Arg). This variant is not present in population databases (gnomAD no frequency). This missense change has been observed in individual(s) with Charcot-Marie-Tooth disease type 1B and/or Dejerine-Sottas syndrome (PMID: 8938258, 10923043, 12090401, 26454100, 27353517, 29670817). In at least one individual the variant was observed to be de novo. It has also been observed to segregate with disease in related individuals. Invitae Evidence Modeling of clinical and family history, age, sex, and reported ancestry of multiple individuals with this MPZ variant has been performed. This variant is expected to be pathogenic with a positive predictive value of at least 99%. This is a validated machine learning model that incorporates the clinical features of 13,236 individuals referred to our laboratory for MPZ testing. ClinVar contains an entry for this variant (Variation ID: 41021). Invitae Evidence Modeling of protein sequence and biophysical properties (such as structural, functional, and spatial information, amino acid conservation, physicochemical variation, residue mobility, and thermodynamic stability) indicates that this missense variant is not expected to disrupt MPZ protein function with a negative predictive value of 80%. Studies have shown that this missense change alters MPZ gene expression (PMID: 11182278). For these reasons, this variant has been classified as Pathogenic.

Mendelics
Classification: Pathogenic for Charcot-Marie-Tooth disease type 1B. Last evaluated: 2019-05-28. Review status: criteria provided, single submitter. Criteria: Mendelics Assertion Criteria 2017. Collection method: clinical testing. Allele origin: unknown.

Athena Diagnostics
Classification: Pathogenic. Last evaluated: 2017-01-31. Review status: criteria provided, single submitter. Criteria: Athena Diagnostics Criteria. Collection method: clinical testing. Allele origin: germline.

Eurofins Ntd Llc (ga)
Classification: Uncertain significance. Last evaluated: 2015-04-02. Review status: criteria provided, single submitter. Criteria: EGL Classification Definitions 2015. Collection method: clinical testing. Allele origin: germline. Observed: 1 variant allele, 1 heterozygote.

GeneReviews
No classification provided. Condition: Charcot-Marie-Tooth disease type 1B. Review status: no classification provided. Collection method: literature only. Allele origin: germline. Affected: yes. Not counted in ClinVar's aggregate classification.

Literature cited by the submitters: PubMed 8938258 (cited by 3 submitters); PubMed 10923043 (cited by 3 submitters); PubMed 12090401 (cited by Labcorp Genetics (formerly Invitae), Labcorp); PubMed 26454100 (cited by Labcorp Genetics (formerly Invitae), Labcorp and Athena Diagnostics); PubMed 27353517 (cited by Labcorp Genetics (formerly Invitae), Labcorp and Athena Diagnostics); PubMed 29670817 (cited by Labcorp Genetics (formerly Invitae), Labcorp); PubMed 11182278 (cited by Labcorp Genetics (formerly Invitae), Labcorp); PubMed 26310628 (cited by Athena Diagnostics); PubMed 8797476 (cited by Athena Diagnostics); PubMed 12477701 (cited by Athena Diagnostics); PubMed 14711881 (cited by Athena Diagnostics); NCBI Bookshelf NBK1205 (cited by GeneReviews).